The following is an entry in ClinVar:

ClinVar aggregate classification (germline): Uncertain significance. Review status: criteria provided, multiple submitters, no conflicts (2 of 4 stars). 2 submissions from 2 submitters: Uncertain significance (2). Last evaluated 2023-07-28.

Submissions (2):

GeneDx
Classification: Uncertain significance. Last evaluated: 2023-07-28. Review status: criteria provided, single submitter. Criteria: GeneDx Variant Classification Process June 2021. Collection method: clinical testing. Allele origin: germline. Affected: yes.
Comment: Not observed at significant frequency in large population cohorts (gnomAD); In silico analysis supports that this missense variant does not alter protein structure/function; Has not been previously published as pathogenic or benign to our knowledge

Labcorp Genetics (formerly Invitae), Labcorp
Classification: Uncertain significance. Last evaluated: 2022-09-28. Review status: criteria provided, single submitter. Criteria: Invitae Variant Classification Sherloc (09022015). Collection method: clinical testing. Allele origin: germline.
Comment: In summary, the available evidence is currently insufficient to determine the role of this variant in disease. Therefore, it has been classified as a Variant of Uncertain Significance. Advanced modeling of protein sequence and biophysical properties (such as structural, functional, and spatial information, amino acid conservation, physicochemical variation, residue mobility, and thermodynamic stability) has been performed at Invitae for this missense variant, however the output from this modeling did not meet the statistical confidence thresholds required to predict the impact of this variant on CACNA1E protein function. This variant has not been reported in the literature in individuals affected with CACNA1E-related conditions. This variant is not present in population databases (gnomAD no frequency). This sequence change replaces aspartic acid, which is acidic and polar, with glycine, which is neutral and non-polar, at codon 18 of the CACNA1E protein (p.Asp18Gly).

NM_001205293.3(CACNA1E):c.53A>G (p.Asp18Gly)

Gene: CACNA1E (calcium voltage-gated channel subunit alpha1 E; plus strand). Cytogenetic location: 1q25.3.
Variant type: single nucleotide variant.
Coding change: c.53A>G on transcript NM_001205293.3 (MANE Select); coding-DNA position 53, A replaced by G.
Protein change: p.Asp18Gly; replaces aspartic acid 18 with glycine.
Molecular consequence: missense variant.
Genome position (GRCh38, 1-based): chr1:181,483,797, A>G. VCF-style: chr1-181483797-A-G. GRCh37 (hg19) VCF-style: chr1-181452933-A-G.
Other names: c.53A>G, p.Asp18Gly (NM_000721.4, NM_001205294.2); c.53A>G (NM_000721.3); short protein forms D18G.
Identifiers: ClinVar variation 1720573 (VCV001720573.6), dbSNP rs1379505181, ClinGen allele CA343844238.